The following is an entry in ClinVar:

ClinVar aggregate classification (germline): Uncertain significance (1 of 4 stars; one submission).

gnomAD v4.1: 7 of 1,614,108 alleles (0.00043%); highest among the groups gnomAD compares: Admixed American, 0.0067%; no homozygotes.

Submission:

Labcorp Genetics (formerly Invitae), Labcorp
Classification: Uncertain significance. Last evaluated: 2024-04-16. Review status: criteria provided, single submitter. Criteria: Invitae Variant Classification Sherloc (09022015). Collection method: clinical testing. Allele origin: germline.
Comment: This sequence change replaces threonine, which is neutral and polar, with isoleucine, which is neutral and non-polar, at codon 756 of the IL6ST protein (p.Thr756Ile). This variant is not present in population databases (gnomAD no frequency). This variant has not been reported in the literature in individuals affected with IL6ST-related conditions. An algorithm developed to predict the effect of missense changes on protein structure and function (PolyPhen-2) suggests that this variant is likely to be disruptive. In summary, the available evidence is currently insufficient to determine the role of this variant in disease. Therefore, it has been classified as a Variant of Uncertain Significance.

NM_002184.4(IL6ST):c.2267C>T (p.Thr756Ile)

Gene: IL6ST (interleukin 6 cytokine family signal transducer; minus strand). Cytogenetic location: 5q11.2.
Variant type: single nucleotide variant.
Coding change: c.2267C>T on transcript NM_002184.4 (MANE Select); coding-DNA position 2267, C replaced by T.
Protein change: p.Thr756Ile; replaces threonine 756 with isoleucine.
Molecular consequence: missense variant. On other transcripts: 3 prime UTR variant (1), non-coding transcript variant (2).
Genome position (GRCh38, 1-based): chr5:55,941,572, G>A on the plus strand (C>T on the coding strand, the complement: IL6ST is on the minus strand). VCF-style: chr5-55941572-G-A. GRCh37 (hg19) VCF-style: chr5-55237400-G-A.
Other names: c.2084C>T, p.Thr695Ile (NM_001190981.2); c.2165C>T, p.Thr722Ile (NM_001364275.2); c.2057C>T, p.Thr686Ile (NM_001364276.2); c.1400C>T, p.Thr467Ile (NM_001364277.2); c.1364C>T, p.Thr455Ile (NM_001364278.2); c.1271C>T, p.Thr424Ile (NM_001364279.2); c.*1194C>T (NM_175767.3); short protein forms T424I, T455I, T467I, T686I, T695I, T722I, T756I.
Identifiers: ClinVar variation 3610742 (VCV003610742.2).